The following is an entry in ClinVar:

ClinVar aggregate classification (germline): Uncertain significance. Review status: criteria provided, multiple submitters, no conflicts (2 of 4 stars). 5 submissions from 5 submitters: Uncertain significance (5). Last evaluated 2025-10-03.

Conditions:
Hereditary cancer-predisposing syndrome. Also called: Hereditary neoplastic syndrome; Neoplastic Syndromes, Hereditary; Tumor predisposition; Hereditary Cancer Syndrome. Identifiers: Orphanet 140162, MedGen C0027672, MeSH D009386, MONDO:0015356.
Familial cancer of breast. Also called: BREAST CANCER, FAMILIAL; Hereditary breast cancer; hereditary breast carcinoma. Identifiers: Orphanet 227535, MedGen C0346153, MONDO:0016419, OMIM 114480. Disease mechanism: loss of function.
Ataxia-telangiectasia syndrome (AT). Also called: LOUIS-BAR SYNDROME; Cerebello-oculocutaneous telangiectasia; Immunodeficiency with ataxia telangiectasia; AT, COMPLEMENTATION GROUP C; Ataxia-telangiectasia, complementation group D; ATAXIA-TELANGIECTASIA, COMPLEMENTATION GROUP A. Identifiers: Orphanet 100, MedGen C0004135, MONDO:0008840, OMIM 208900.

Submissions (5):

Labcorp Genetics (formerly Invitae), Labcorp
Classification: Uncertain significance for Ataxia-telangiectasia syndrome. Last evaluated: 2025-10-03. Review status: criteria provided, single submitter. Criteria: Invitae Variant Classification Sherloc (09022015). Collection method: clinical testing. Allele origin: germline.
Comment: This sequence change replaces glutamine, which is neutral and polar, with glutamic acid, which is acidic and polar, at codon 466 of the ATM protein (p.Gln466Glu). This variant is not present in population databases (gnomAD no frequency). This variant has not been reported in the literature in individuals affected with ATM-related conditions. ClinVar contains an entry for this variant (Variation ID: 481206). Invitae Evidence Modeling of protein sequence and biophysical properties (such as structural, functional, and spatial information, amino acid conservation, physicochemical variation, residue mobility, and thermodynamic stability) indicates that this missense variant is not expected to disrupt ATM protein function with a negative predictive value of 95%. In summary, the available evidence is currently insufficient to determine the role of this variant in disease. Therefore, it has been classified as a Variant of Uncertain Significance.

Molecular Pathology, Peter Maccallum Cancer Centre
Classification: Uncertain significance for Ataxia-telangiectasia syndrome. Last evaluated: 2025-05-02. Review status: criteria provided, single submitter. Criteria: ACMG Guidelines, 2015. Collection method: clinical testing. Allele origin: germline. Inheritance: Autosomal recessive inheritance.

Baylor Genetics
Classification: Uncertain significance for Familial cancer of breast. Last evaluated: 2023-09-04. Review status: criteria provided, single submitter. Criteria: ACMG Guidelines, 2015. Collection method: clinical testing. Allele origin: unknown.

Ambry Genetics
Classification: Uncertain significance for Hereditary cancer-predisposing syndrome. Last evaluated: 2023-03-09. Review status: criteria provided, single submitter. Criteria: Ambry Variant Classification Scheme 2023. Collection method: clinical testing. Allele origin: germline.
Comment: The p.Q466E variant (also known as c.1396C>G), located in coding exon 9 of the ATM gene, results from a C to G substitution at nucleotide position 1396. The glutamine at codon 466 is replaced by glutamic acid, an amino acid with highly similar properties. This amino acid position is well conserved in available vertebrate species. In addition, the in silico prediction for this alteration is inconclusive. Since supporting evidence is limited at this time, the clinical significance of this alteration remains unclear.

Color Diagnostics, LLC DBA Color Health
Classification: Uncertain significance for Hereditary cancer-predisposing syndrome. Last evaluated: 2019-02-14. Review status: criteria provided, single submitter. Criteria: ACMG Guidelines, 2015. Collection method: clinical testing. Allele origin: germline.

NM_000051.4(ATM):c.1396C>G (p.Gln466Glu)

Gene: ATM (ATM serine/threonine kinase; plus strand). Cytogenetic location: 11q22.3.
Variant type: single nucleotide variant.
Coding change: c.1396C>G on transcript NM_000051.4 (MANE Select); coding-DNA position 1396, C replaced by G.
Protein change: p.Gln466Glu; replaces glutamine 466 with glutamic acid.
Molecular consequence: missense variant.
Genome position (GRCh38, 1-based): chr11:108,250,861, C>G. VCF-style: chr11-108250861-C-G. GRCh37 (hg19) VCF-style: chr11-108121588-C-G.
Other names: c.1396C>G, p.Gln466Glu (NM_001351834.2); short protein forms Q466E.
Identifiers: ClinVar variation 481206 (VCV000481206.16), dbSNP rs876660485, ClinGen allele CA382533915.